The following is an entry in ClinVar:

ClinVar aggregate classification (germline): Uncertain significance (1 of 4 stars; one submission).

Conditions:
T-cell immunodeficiency, congenital alopecia, and nail dystrophy. Also called: Congenital alopecia and nail dystrophy associated with severe functional T-cell immunodeficiency; Pignata Guarino syndrome. Identifiers: Orphanet 169095, MedGen C1866426, MONDO:0011132, OMIM 601705.

gnomAD v4.1: 35 of 1,595,206 alleles (0.0022%); highest among the groups gnomAD compares: Non-Finnish European, 0.0027%; no homozygotes.

Submission:

Labcorp Genetics (formerly Invitae), Labcorp
Classification: Uncertain significance for T-cell immunodeficiency, congenital alopecia, and nail dystrophy. Last evaluated: 2025-12-09. Review status: criteria provided, single submitter. Criteria: Invitae Variant Classification Sherloc (09022015). Collection method: clinical testing. Allele origin: germline.
Comment: This sequence change affects codon 41 of the FOXN1 mRNA. It is a 'silent' change, meaning that it does not change the encoded amino acid sequence of the FOXN1 protein. It affects a nucleotide within the consensus splice site. This variant is present in population databases (rs759817130, gnomAD 0.001%). This variant has not been reported in the literature in individuals affected with FOXN1-related conditions. ClinVar contains an entry for this variant (Variation ID: 3705085). Algorithms developed to predict the effect of sequence changes on RNA splicing suggest that this variant is not likely to affect RNA splicing. In summary, the available evidence is currently insufficient to determine the role of this variant in disease. Therefore, it has been classified as a Variant of Uncertain Significance.

NM_001369369.1(FOXN1):c.123T>C (p.Ser41=)

Gene: FOXN1 (forkhead box N1; plus strand). Cytogenetic location: 17q11.2.
Variant type: single nucleotide variant.
Coding change: c.123T>C on transcript NM_001369369.1 (MANE Select); coding-DNA position 123, T replaced by C.
Protein change: p.Ser41=; no amino-acid change (serine 41 retained).
Molecular consequence: synonymous variant.
Genome position (GRCh38, 1-based): chr17:28,524,092, T>C. VCF-style: chr17-28524092-T-C. GRCh37 (hg19) VCF-style: chr17-26851110-T-C.
Other names: c.123T>C, p.Ser41= (NM_003593.3).
Identifiers: ClinVar variation 3705085 (VCV003705085.2).